The following is an entry in ClinVar:

NM_012309.5(SHANK2):c.1963C>T (p.Pro655Ser)

Gene: SHANK2 (SH3 and multiple ankyrin repeat domains 2; minus strand). Cytogenetic location: 11q13.4.
Variant type: single nucleotide variant.
Coding change: c.1963C>T on transcript NM_012309.5 (MANE Select); coding-DNA position 1963, C replaced by T.
Protein change: p.Pro655Ser; replaces proline 655 with serine.
Molecular consequence: missense variant. On other transcripts: non-coding transcript variant (1).
Genome position (GRCh38, 1-based): chr11:70,659,926, G>A on the plus strand (C>T on the coding strand, the complement: SHANK2 is on the minus strand). VCF-style: chr11-70659926-G-A. GRCh37 (hg19) VCF-style: chr11-70506031-G-A.
Other names: c.826C>T, p.Pro276Ser (NM_001379226.1); c.199C>T, p.Pro67Ser (NM_133266.5); short protein forms P276S, P655S, P67S.
Identifiers: ClinVar variation 3026648 (VCV003026648.22), dbSNP rs2497976364, ClinGen allele CA381957259.

ClinVar aggregate classification (germline): Uncertain significance (1 of 4 stars; one submission).

Submission:

CeGaT Center for Human Genetics Tuebingen
Classification: Uncertain significance. Last evaluated: 2023-12-01. Review status: criteria provided, single submitter. Criteria: CeGaT Center For Human Genetics Tuebingen Variant Classification Criteria Version 2. Collection method: clinical testing. Allele origin: germline. Affected: yes. Observed: 1 variant allele.
Comment: SHANK2: PM2